The following is an entry in ClinVar:

NM_001267550.2(TTN):c.106894G>A (p.Gly35632Ser)

Genes: TTN-AS1 (TTN antisense RNA 1; plus strand), TTN (titin; minus strand). Cytogenetic location: 2q31.2.
Variant type: single nucleotide variant.
Coding change: c.106894G>A on transcript NM_001267550.2 (MANE Select); coding-DNA position 106894, G replaced by A.
Protein change: p.Gly35632Ser; replaces glycine 35632 with serine.
Molecular consequence: missense variant.
Genome position (GRCh38, 1-based): chr2:178,528,857, C>T on the plus strand (G>A on the coding strand, the complement: TTN is on the minus strand). VCF-style: chr2-178528857-C-T. GRCh37 (hg19) VCF-style: chr2-179393584-C-T.
Other names: c.101971G>A, p.Gly33991Ser (NM_001256850.1); c.79699G>A, p.Gly26567Ser (NM_003319.4); c.99190G>A, p.Gly33064Ser (NM_133378.4); c.80074G>A, p.Gly26692Ser (NM_133432.3); c.80275G>A, p.Gly26759Ser (NM_133437.4); short protein forms G26692S, G26567S, G33064S, G35632S, G26759S, G33991S.
Identifiers: ClinVar variation 1929280 (VCV001929280.5), dbSNP rs1438555898, ClinGen allele CA349402737.
Genomic context (GRCh38, chr2:178,528,857, plus strand): 5'-GGTACTCCTCAGAGTTGGTAAGCTCTACGCCATTCAGTACCCATTTCACATCAGTGGCAC[C>T]AGCAATGTTGGCTTTTAAAACCAGTCTTTGACCTTCGTTTATGCTCATCTGAGTAGAAAA-3'
Protein context (NP_001254479.2, residues 35622-35642): QRLVLKANIA[Gly35632Ser]ATDVKWVLNG

ClinVar aggregate classification (germline): Uncertain significance (1 of 4 stars; one submission).

Conditions:
Dilated cardiomyopathy 1G (CMD1G). Identifiers: Orphanet 154, MedGen C1858763, MONDO:0011400, OMIM 604145.
Autosomal recessive limb-girdle muscular dystrophy type 2J (LGMDR10). Also called: Limb-girdle muscular dystrophy, type 2J; MUSCULAR DYSTROPHY, LIMB-GIRDLE, AUTOSOMAL RECESSIVE 10. Identifiers: Orphanet 140922, MedGen C1837342, MONDO:0012127, OMIM 608807.

Submission:

Labcorp Genetics (formerly Invitae), Labcorp
Classification: Uncertain significance for Dilated cardiomyopathy 1G; Autosomal recessive limb-girdle muscular dystrophy type 2J. Last evaluated: 2022-01-11. Review status: criteria provided, single submitter. Criteria: Invitae Variant Classification Sherloc (09022015). Collection method: clinical testing. Allele origin: germline.
Comment: This sequence change replaces glycine, which is neutral and non-polar, with serine, which is neutral and polar, at codon 35632 of the TTN protein (p.Gly35632Ser). This variant is not present in population databases (gnomAD no frequency). This variant has not been reported in the literature in individuals affected with TTN-related conditions. Experimental studies and prediction algorithms are not available or were not evaluated, and the functional significance of this variant is currently unknown. In summary, the available evidence is currently insufficient to determine the role of this variant in disease. Therefore, it has been classified as a Variant of Uncertain Significance. This variant is located in the M band of TTN (PMID: 25589632). Variants in this region may be relevant for neuromuscular disorders, but have not been definitively shown to cause cardiomyopathy (PMID: 23975875).

Literature cited by the submitters: PubMed 25589632; PubMed 23975875.